The following is an entry in ClinVar:

NM_018979.4(WNK1):c.6706C>T (p.Pro2236Ser)

Gene: WNK1 (WNK lysine deficient protein kinase 1; plus strand). Cytogenetic location: 12p13.33.
Variant type: single nucleotide variant.
Coding change: c.6706C>T on transcript NM_018979.4 (MANE Select); coding-DNA position 6706, C replaced by T.
Protein change: p.Pro2236Ser; replaces proline 2236 with serine.
Molecular consequence: missense variant.
Genome position (GRCh38, 1-based): chr12:907,909, C>T. VCF-style: chr12-907909-C-T. GRCh37 (hg19) VCF-style: chr12-1017075-C-T.
Other names: c.7486C>T, p.Pro2496Ser (NM_001184985.2); c.5962C>T, p.Pro1988Ser (NM_014823.3); c.7462C>T, p.Pro2488Ser (NM_213655.5); short protein forms P2496S, P2236S, P1988S, P2488S.
Identifiers: ClinVar variation 4790460 (VCV004790460.1).

ClinVar aggregate classification (germline): Uncertain significance (1 of 4 stars; one submission).

Conditions:
Neuropathy, hereditary sensory and autonomic, type 2A (HSAN2A). Also called: WNK1-Related HSAN2 (HSAN2A); ACROOSTEOLYSIS, GIACCAI TYPE; ACROOSTEOLYSIS, NEUROGENIC; MORVAN DISEASE; NEUROPATHY, CONGENITAL SENSORY; NEUROPATHY, HEREDITARY SENSORY RADICULAR, AUTOSOMAL RECESSIVE. Identifiers: Orphanet 970, MedGen C2752089, MONDO:0024309, OMIM 201300.
Pseudohypoaldosteronism type 2C (PHA2C). Also called: Pseudohypoaldosteronism Type IIC. Identifiers: Orphanet 757, Orphanet 88940, MedGen C1840391, MONDO:0013778, OMIM 614492.

Submission:

Labcorp Genetics (formerly Invitae), Labcorp
Classification: Uncertain significance for Neuropathy, hereditary sensory and autonomic, type 2A; Pseudohypoaldosteronism type 2C. Last evaluated: 2025-06-29. Review status: criteria provided, single submitter. Criteria: Invitae Variant Classification Sherloc (09022015). Collection method: clinical testing. Allele origin: germline.
Comment: This sequence change replaces proline, which is neutral and non-polar, with serine, which is neutral and polar, at codon 2488 of the WNK1 protein (p.Pro2488Ser). This variant is present in population databases (rs771084139, gnomAD 0.006%). This variant has not been reported in the literature in individuals affected with WNK1-related conditions. Invitae Evidence Modeling of protein sequence and biophysical properties (such as structural, functional, and spatial information, amino acid conservation, physicochemical variation, residue mobility, and thermodynamic stability) indicates that this missense variant is not expected to disrupt WNK1 protein function with a negative predictive value of 95%. In summary, the available evidence is currently insufficient to determine the role of this variant in disease. Therefore, it has been classified as a Variant of Uncertain Significance.